The following is an entry in ClinVar:

ClinVar aggregate classification (germline): Benign/Likely benign. Review status: criteria provided, multiple submitters, no conflicts (2 of 4 stars). 4 submissions from 4 submitters: Benign (1); Likely benign (3). Last evaluated 2025-07-25.

Conditions:
Juvenile polyposis syndrome (JPS). Identifiers: Orphanet 2929, MedGen C0345893, MONDO:0017380, OMIM 174900.
Hereditary cancer-predisposing syndrome. Also called: Tumor predisposition; Neoplastic Syndromes, Hereditary; Hereditary Cancer Syndrome; Hereditary neoplastic syndrome. Identifiers: Orphanet 140162, MedGen C0027672, MeSH D009386, MONDO:0015356.

Allele frequency attached by ClinVar (database versions not stated): gnomAD exomes 0.00001.
gnomAD v4.1: 11 of 1,613,196 alleles (0.00068%); highest among the groups gnomAD compares: Non-Finnish European, 0.00093%; no homozygotes.

Submissions (4):

Labcorp Genetics (formerly Invitae), Labcorp
Classification: Likely benign for Juvenile polyposis syndrome. Last evaluated: 2025-07-25. Review status: criteria provided, single submitter. Criteria: Invitae Variant Classification Sherloc (09022015). Collection method: clinical testing. Allele origin: germline.

Myriad Genetics, Inc.
Classification: Benign for Juvenile polyposis syndrome. Last evaluated: 2024-08-06. Review status: criteria provided, single submitter. Criteria: Myriad Autosomal Dominant, Autosomal Recessive and X-Linked Classification Criteria (2023). Collection method: clinical testing. Allele origin: unknown.
Comment: This variant is considered benign. This variant is a silent/synonymous amino acid change and it is not expected to impact splicing.

All of Us Research Program, National Institutes of Health
Classification: Likely benign for Juvenile polyposis syndrome. Last evaluated: 2023-05-16. Review status: criteria provided, single submitter. Criteria: ACMG Guidelines, 2015. Collection method: clinical testing. Allele origin: germline. Inheritance: Autosomal dominant inheritance. Observed: 1 variant allele, 1 heterozygote.
Comment: This study involves interpretation of variants in research participants for the purpose of population health screening. Participant phenotype was not available at the time of variant classification. Additional details can be found in publication PMID: 35346344, PMCID: PMC8962531

Ambry Genetics
Classification: Likely benign for Hereditary cancer-predisposing syndrome. Last evaluated: 2022-05-01. Review status: criteria provided, single submitter. Criteria: Ambry Variant Classification Scheme 2023. Collection method: clinical testing. Allele origin: germline.

NM_004329.3(BMPR1A):c.1104C>T (p.Ile368=)

Gene: BMPR1A (bone morphogenetic protein receptor type 1A; plus strand). Cytogenetic location: 10q23.2.
Variant type: single nucleotide variant.
Coding change: c.1104C>T on transcript NM_004329.3 (MANE Select); coding-DNA position 1104, C replaced by T.
Protein change: p.Ile368=; no amino-acid change (isoleucine 368 retained).
Molecular consequence: synonymous variant.
Genome position (GRCh38, 1-based): chr10:86,919,407, C>T. VCF-style: chr10-86919407-C-T. GRCh37 (hg19) VCF-style: chr10-88679164-C-T.
Identifiers: ClinVar variation 416816 (VCV000416816.14), dbSNP rs1060504911, ClinGen allele CA16613219.